The following is an entry in ClinVar:

ClinVar aggregate classification (germline): Uncertain significance (1 of 4 stars; one submission).

Submission:

Labcorp Genetics (formerly Invitae), Labcorp
Classification: Uncertain significance. Last evaluated: 2022-06-20. Review status: criteria provided, single submitter. Criteria: Invitae Variant Classification Sherloc (09022015). Collection method: clinical testing. Allele origin: germline.
Comment: In summary, the available evidence is currently insufficient to determine the role of this variant in disease. Therefore, it has been classified as a Variant of Uncertain Significance. Algorithms developed to predict the effect of missense changes on protein structure and function are either unavailable or do not agree on the potential impact of this missense change (SIFT: "Not Available"; PolyPhen-2: "Benign"; Align-GVGD: "Not Available"). This variant has not been reported in the literature in individuals affected with ADSSL1-related conditions. This variant is not present in population databases (gnomAD no frequency). This sequence change replaces threonine, which is neutral and polar, with asparagine, which is neutral and polar, at codon 68 of the ADSSL1 protein (p.Thr68Asn).

NM_152328.5(ADSS1):c.193-4925C>A

Gene: ADSS1 (adenylosuccinate synthase 1; plus strand). Cytogenetic location: 14q32.33.
Variant type: single nucleotide variant.
Coding change: c.193-4925C>A on transcript NM_152328.5 (MANE Select); 4925 bases into the intron before coding-DNA position 193, C replaced by A.
Molecular consequence: intron variant. On other transcripts: 5 prime UTR variant (1), missense variant (1).
Genome position (GRCh38, 1-based): chr14:104,730,095, C>A. VCF-style: chr14-104730095-C-A. GRCh37 (hg19) VCF-style: chr14-105196432-C-A.
Other names: c.-525C>A (NM_001320424.1); c.203C>A, p.Thr68Asn (NM_199165.2); short protein forms T68N.
Identifiers: ClinVar variation 1681888 (VCV001681888.8), dbSNP rs780252776, ClinGen allele CA391232927.